The following is an entry in ClinVar:

ClinVar aggregate classification (germline): Uncertain significance (1 of 4 stars; one submission).

Conditions:
Inborn genetic diseases. Identifiers: MedGen C0950123, MeSH D030342.

gnomAD v4.1: 2 of 1,605,772 alleles (0.00012%); highest among the groups gnomAD compares: Non-Finnish European, 0.00017%; no homozygotes.

Submission:

Ambry Genetics
Classification: Uncertain significance for Inborn genetic diseases. Last evaluated: 2025-06-25. Review status: criteria provided, single submitter. Criteria: Ambry Variant Classification Scheme 2023. Collection method: clinical testing. Allele origin: germline.
Comment: The p.H382R variant (also known as c.1145A>G), located in coding exon 8 of the MECOM gene, results from an A to G substitution at nucleotide position 1145. The histidine at codon 382 is replaced by arginine, an amino acid with highly similar properties. This amino acid position is conserved. In addition, the in silico prediction for this alteration is inconclusive. Based on the available evidence, the clinical significance of this variant remains unclear.

NM_004991.4(MECOM):c.1145A>G (p.His382Arg)

Gene: MECOM (MDS1 and EVI1 complex locus; minus strand). Cytogenetic location: 3q26.2.
Variant type: single nucleotide variant.
Coding change: c.1145A>G on transcript NM_004991.4 (MANE Select); coding-DNA position 1145, A replaced by G.
Protein change: p.His382Arg; replaces histidine 382 with arginine.
Molecular consequence: missense variant. On other transcripts: intron variant (2).
Genome position (GRCh38, 1-based): chr3:169,116,727, T>C on the plus strand (A>G on the coding strand, the complement: MECOM is on the minus strand). VCF-style: chr3-169116727-T-C. GRCh37 (hg19) VCF-style: chr3-168834515-T-C.
Other names: c.581A>G, p.His194Arg (NM_005241.4, NM_001105078.4, NM_001164000.2 and 4 more transcripts); c.1133-960A>G (NM_001366473.2); c.569-960A>G (NM_001366474.2); c.776A>G, p.His259Arg (NM_001105077.4); c.584A>G, p.His195Arg (NM_001163999.2, NM_001366467.2, NM_001366468.2 and 1 more transcripts); c.1145A>G, p.His382Arg (NM_001366466.2); short protein forms H259R, H194R, H195R, H382R.
Identifiers: ClinVar variation 4105735 (VCV004105735.1).